The following is an entry in ClinVar:

ClinVar aggregate classification (germline): Uncertain significance (1 of 4 stars; one submission).

Allele frequency attached by ClinVar (database versions not stated): TOPMed 0.00001; gnomAD 0.00002.
gnomAD v4.1: 17 of 1,611,166 alleles (0.0011%); highest among the groups gnomAD compares: Non-Finnish European, 0.0013%; no homozygotes.

Submission:

GeneDx
Classification: Uncertain significance. Last evaluated: 2019-10-16. Review status: criteria provided, single submitter. Criteria: GeneDx Variant Classification Process June 2021. Collection method: clinical testing. Allele origin: germline. Affected: yes.
Comment: In silico analysis, which includes splice predictors and evolutionary conservation, suggests this variant may impact gene splicing. In the absence of RNA/functional studies, the actual effect of this sequence change is unknown.; Has not been previously published as pathogenic or benign to our knowledge

NM_001371623.1(TCOF1):c.1491G>A (p.Val497=)

Gene: TCOF1 (treacle ribosome biogenesis factor 1; plus strand). Cytogenetic location: 5q32.
Variant type: single nucleotide variant.
Coding change: c.1491G>A on transcript NM_001371623.1 (MANE Select); coding-DNA position 1491, G replaced by A.
Protein change: p.Val497=; no amino-acid change (valine 497 retained).
Molecular consequence: synonymous variant.
Genome position (GRCh38, 1-based): chr5:150,375,341, G>A. VCF-style: chr5-150375341-G-A. GRCh37 (hg19) VCF-style: chr5-149754904-G-A.
Other names: c.1260G>A, p.Val420= (NM_000356.4, NM_001135245.2); c.1491G>A, p.Val497= (NM_001008657.3, NM_001135243.2, NM_001135244.2 and 1 more transcripts).
Identifiers: ClinVar variation 1309432 (VCV001309432.2), dbSNP rs1473015759, ClinGen allele CA447408121.